The following is an entry in ClinVar:

NM_001368397.1(FRMPD4):c.3171G>T (p.Met1057Ile)

Gene: FRMPD4 (FERM and PDZ domain containing 4; plus strand). Cytogenetic location: Xp22.2.
Variant type: single nucleotide variant.
Coding change: c.3171G>T on transcript NM_001368397.1 (MANE Select); coding-DNA position 3171, G replaced by T.
Protein change: p.Met1057Ile; replaces methionine 1057 with isoleucine.
Molecular consequence: missense variant.
Genome position (GRCh38, 1-based): chrX:12,717,997, G>T. VCF-style: chrX-12717997-G-T. GRCh37 (hg19) VCF-style: chrX-12736116-G-T.
Other names: c.3282G>T, p.Met1094Ile (NM_001368395.3, NM_001368398.3); c.3177G>T, p.Met1059Ile (NM_001368396.3); c.3162G>T, p.Met1054Ile (NM_001368399.3); c.3051G>T, p.Met1017Ile (NM_001368400.3); c.3147G>T, p.Met1049Ile (NM_001368401.1, NM_001368402.3); c.3171G>T, p.Met1057Ile (NM_014728.3); short protein forms M1017I, M1049I, M1054I, M1057I, M1059I, M1094I.
Identifiers: ClinVar variation 1704781 (VCV001704781.3), dbSNP rs2519861117, ClinGen allele CA412317279.

ClinVar aggregate classification (germline): Uncertain significance (1 of 4 stars; one submission).

Allele frequency attached by ClinVar (database versions not stated): gnomAD exomes below 0.00001.

Submission:

GeneDx
Classification: Uncertain significance. Last evaluated: 2023-05-15. Review status: criteria provided, single submitter. Criteria: GeneDx Variant Classification Process June 2021. Collection method: clinical testing. Allele origin: germline. Affected: yes.
Comment: Not observed at significant frequency in large population cohorts (gnomAD); In silico analysis supports that this missense variant does not alter protein structure/function; Has not been previously published as pathogenic or benign to our knowledge